The following is an entry in ClinVar:

ClinVar aggregate classification (germline): Uncertain significance (1 of 4 stars; one submission).

Submission:

Labcorp Genetics (formerly Invitae), Labcorp
Classification: Uncertain significance. Last evaluated: 2025-07-01. Review status: criteria provided, single submitter. Criteria: Invitae Variant Classification Sherloc (09022015). Collection method: clinical testing. Allele origin: germline.
Comment: This sequence change replaces aspartic acid, which is acidic and polar, with glutamic acid, which is acidic and polar, at codon 109 of the IL12RB2 protein (p.Asp109Glu). This variant is not present in population databases (gnomAD no frequency). This variant has not been reported in the literature in individuals affected with IL12RB2-related conditions. An algorithm developed to predict the effect of missense changes on protein structure and function outputs the following: PolyPhen-2: "Benign". The glutamic acid amino acid residue is found in multiple mammalian species, which suggests that this missense change does not adversely affect protein function. In summary, the available evidence is currently insufficient to determine the role of this variant in disease. Therefore, it has been classified as a Variant of Uncertain Significance.

NM_001374259.2(IL12RB2):c.327T>G (p.Asp109Glu)

Gene: IL12RB2 (interleukin 12 receptor subunit beta 2; plus strand). Cytogenetic location: 1p31.3.
Variant type: single nucleotide variant.
Coding change: c.327T>G on transcript NM_001374259.2 (MANE Select); coding-DNA position 327, T replaced by G.
Protein change: p.Asp109Glu; replaces aspartic acid 109 with glutamic acid.
Molecular consequence: missense variant. On other transcripts: non-coding transcript variant (2).
Genome position (GRCh38, 1-based): chr1:67,321,852, T>G. VCF-style: chr1-67321852-T-G. GRCh37 (hg19) VCF-style: chr1-67787535-T-G.
Other names: c.327T>G, p.Asp109Glu (NM_001258216.1, NM_001319233.1, NM_001559.3 and 2 more transcripts); short protein forms D109E.
Identifiers: ClinVar variation 4774008 (VCV004774008.1).
Genomic context (GRCh38, chr1:67,321,852, plus strand): 5'-CACAGGTCTTCCCCTTGGTACAACCTTGTTTGTCTGCAAACTGGCCTGTATCAATAGTGA[T>G]GAAATTCAAATATGTGGAGCAGAGATCTTCGTTGGTGGTGAGCATTCCATTTTGAATTTT-3'
Protein context (NP_001361188.1, residues 99-119): FVCKLACINS[Asp109Glu]EIQICGAEIF